The following is an entry in ClinVar:

NM_001267550.2(TTN):c.48248_48251del (p.Gly16083fs)

Genes: TTN (titin; minus strand), TTN-AS1 (TTN antisense RNA 1; plus strand). Cytogenetic location: 2q31.2.
Variant type: Deletion.
Coding change: c.48248_48251del on transcript NM_001267550.2 (MANE Select); coding-DNA positions 48248 to 48251, 4 bases deleted (GAGG; older notation c.48248_48251delGAGG).
Protein change: p.Gly16083fs; shifts the reading frame from glycine 16083.
Molecular consequence: frameshift variant.
Genome position (GRCh38, 1-based): chr2:178,616,540-178,616,543, CCTC deleted on the plus strand (GAGG on the coding strand, the reverse complement: TTN is on the minus strand); deleting any 4 consecutive bases within chr2:178,616,540-178,616,544 gives the same sequence; the c. name uses the placement nearest the transcript's 3' end. VCF-style (leftmost placement, unchanged base first): chr2-178616539-TCCTC-T. GRCh37 (hg19) VCF-style: chr2-179481266-TCCTC-T.
Other names: c.43325_43328del, p.Gly14442fs (NM_001256850.1); c.21053_21056del, p.Gly7018fs (NM_003319.4); c.40544_40547del, p.Gly13515fs (NM_133378.4); c.21428_21431del, p.Gly7143fs (NM_133432.3); c.21629_21632del, p.Gly7210fs (NM_133437.4); c.21053_21056delGAGG (NM_003319.4); short protein forms G13515fs, G14442fs, G16083fs, G7143fs, G7210fs, G7018fs.
Identifiers: ClinVar variation 1785972 (VCV001785972.7), dbSNP rs2470805048, ClinGen allele CA2577171268.

ClinVar aggregate classification (germline): Likely pathogenic. Review status: criteria provided, multiple submitters, no conflicts (2 of 4 stars). 2 submissions from 2 submitters: Likely pathogenic (2). Last evaluated 2022-09-23.

Conditions:
Autosomal recessive limb-girdle muscular dystrophy type 2J (LGMDR10). Also called: Limb-girdle muscular dystrophy, type 2J; MUSCULAR DYSTROPHY, LIMB-GIRDLE, AUTOSOMAL RECESSIVE 10. Identifiers: Orphanet 140922, MedGen C1837342, MONDO:0012127, OMIM 608807.
Dilated cardiomyopathy 1G (CMD1G). Identifiers: Orphanet 154, MedGen C1858763, MONDO:0011400, OMIM 604145.
Cardiovascular phenotype. Identifiers: MedGen CN230736.

Submissions (2):

Labcorp Genetics (formerly Invitae), Labcorp
Classification: Likely pathogenic for Dilated cardiomyopathy 1G; Autosomal recessive limb-girdle muscular dystrophy type 2J. Last evaluated: 2022-09-23. Review status: criteria provided, single submitter. Criteria: Invitae Variant Classification Sherloc (09022015). Collection method: clinical testing. Allele origin: germline.
Comment: This variant is located in the A band of TTN (PMID: 25589632). Truncating variants in this region are significantly overrepresented in patients affected with dilated cardiomyopathy (PMID: 25589632). Truncating variants in this region have also been reported in individuals affected with autosomal recessive centronuclear myopathy (PMID: 23975875). In summary, the currently available evidence indicates that the variant is pathogenic, but additional data are needed to prove that conclusively. Therefore, this variant has been classified as Likely Pathogenic. This variant has not been reported in the literature in individuals affected with TTN-related conditions. This variant is not present in population databases (gnomAD no frequency). This sequence change creates a premature translational stop signal (p.Gly16083Glufs*4) in the TTN gene. While this is not anticipated to result in nonsense mediated decay, it is expected to create a truncated TTN protein.

Ambry Genetics
Classification: Likely pathogenic for Cardiovascular phenotype. Last evaluated: 2020-07-10. Review status: criteria provided, single submitter. Criteria: Ambry Variant Classification Scheme 2023. Collection method: clinical testing. Allele origin: germline.
Comment: The c.21053_21056delGAGG variant, located in coding exon 84 of the TTN gene, results from a deletion of 4 nucleotides at nucleotide positions 21053 to 21056, causing a translational frameshift with a predicted alternate stop codon (p.G7018Efs*4). This exon is located in the A-band region of the N2-B isoform of the titin protein and is constitutively expressed in TTN transcripts (percent spliced in or PSI 100%). This alteration is expected to result in loss of function by premature protein truncation or nonsense-mediated mRNA decay. While truncating variants in TTN are present in 1-3% of the general population, truncating variants in the A-band are the most common cause of dilated cardiomyopathy (DCM) (Herman DS et al. N. Engl. J. Med., 2012 Feb;366:619-28; Roberts AM et al. Sci Transl Med, 2015 Jan;7:270ra6). TTN truncating variants encoded in constitutive exons (PSI >90%) have been found to be significantly associated with DCM regardless of their position in titin (Schafer S et al. Nat. Genet., 2017 01;49:46-53). As such, this alteration is classified as likely pathogenic.

Literature cited by the submitters: PubMed 25589632 (cited by Labcorp Genetics (formerly Invitae), Labcorp); PubMed 23975875 (cited by Labcorp Genetics (formerly Invitae), Labcorp).